The following is an entry in ClinVar:

ClinVar aggregate classification (germline): Uncertain significance. Review status: criteria provided, multiple submitters, no conflicts (2 of 4 stars). 3 submissions from 3 submitters: Uncertain significance (3). Last evaluated 2026-09-01.

Conditions:
LDB3-related disorder. Also called: LDB3-related condition.
Myofibrillar myopathy 4. Also called: Zaspopathy (type). Identifiers: Orphanet 98912, MedGen C4721886, MONDO:0012277, OMIM 609452.

Allele frequency attached by ClinVar (database versions not stated): gnomAD exomes below 0.00001; gnomAD 0.00001; TOPMed 0.00001.
gnomAD v4.1: 5 of 1,612,616 alleles (0.00031%); highest among the groups gnomAD compares: Non-Finnish European, 0.00042%; no homozygotes.

Submissions (3):

PreventionGenetics, part of Exact Sciences
Classification: Uncertain significance for LDB3-related condition. Last evaluated: 2026-09-01. Review status: criteria provided, single submitter. Criteria: ACMG Guidelines, 2015. Collection method: clinical testing. Allele origin: germline.
Comment: The LDB3 c.799G>A variant is predicted to result in the amino acid substitution p.Ala267Thr. To our knowledge, this variant has not been reported in the literature. This variant is reported in 0.00089% of alleles in individuals of European (Non-Finnish) descent in gnomAD. At this time, the clinical significance of this variant is uncertain due to the absence of conclusive functional and genetic evidence.

Labcorp Genetics (formerly Invitae), Labcorp
Classification: Uncertain significance for Myofibrillar myopathy 4. Last evaluated: 2022-11-08. Review status: criteria provided, single submitter. Criteria: Invitae Variant Classification Sherloc (09022015). Collection method: clinical testing. Allele origin: germline.
Comment: In summary, the available evidence is currently insufficient to determine the role of this variant in disease. Therefore, it has been classified as a Variant of Uncertain Significance. Experimental studies and prediction algorithms are not available or were not evaluated, and the functional significance of this variant is currently unknown. This variant has not been reported in the literature in individuals affected with LDB3-related conditions. This variant is present in population databases (rs794729061, gnomAD 0.0009%). This sequence change replaces alanine, which is neutral and non-polar, with threonine, which is neutral and polar, at codon 377 of the LDB3 protein (p.Ala377Thr). The LDB3 gene has multiple clinically relevant transcripts. This variant occurs in alternate transcript NM_007078.3, and corresponds to NM_001080116.1:c.*10574G>A in the primary transcript.

GeneDx
Classification: Uncertain significance. Last evaluated: 2012-07-24. Review status: criteria provided, single submitter. Criteria: GeneDx Variant Classification (06012015). Collection method: clinical testing. Allele origin: germline. Affected: yes.
Comment: p.Ala377Thr (GCA>ACA): c.1129 G>A in exon 8 of the LDB3 gene (NM_007078.2) The Ala377Thr variant in the LDB3 gene has not been reported as a disease-causing mutation or as a benign polymorphism to our knowledge. Ala377Thr results in a non-conservative amino acid substitution of a non-polar Alanine with a neutral, polar Threonine at a position that is conserved across mammal species. The NHLBI ESP Exome Variant Server reports Ala377Thr was not observed in approximately 6,000 samples from individuals of European and African American backgrounds, indicating it is not a common benign variant in these populations. However, no mutations have been reported in nearby codons, indicating this region of the protein may tolerate change. In summary, with the clinical and molecular information available at this time, we cannot determine if Ala377Thr is a disease-causing mutation or a rare benign variant. The variant is found in DCM panel(s).

NM_007078.3(LDB3):c.1129G>A (p.Ala377Thr)

Gene: LDB3 (LIM domain binding 3; plus strand). Cytogenetic location: 10q23.2.
Variant type: single nucleotide variant.
Coding change: c.1129G>A on transcript NM_007078.3 (MANE Select); coding-DNA position 1129, G replaced by A.
Protein change: p.Ala377Thr; replaces alanine 377 with threonine.
Molecular consequence: missense variant.
Genome position (GRCh38, 1-based): chr10:86,709,948, G>A. VCF-style: chr10-86709948-G-A. GRCh37 (hg19) VCF-style: chr10-88469705-G-A.
Other names: p.A377T:GCA>ACA; c.799G>A, p.Ala267Thr (NM_001080114.2); c.1144G>A, p.Ala382Thr (NM_001171610.2); c.940G>A, p.Ala314Thr (NM_001368064.1, NM_001368065.1); c.988G>A, p.Ala330Thr (NM_001368066.1); short protein forms A377T, A314T, A382T, A267T, A330T.
Identifiers: ClinVar variation 201847 (VCV000201847.20), dbSNP rs794729061, ClinGen allele CA308627.